The following is an entry in ClinVar:

NM_016373.4(WWOX):c.605+17A>T

Gene: WWOX (WW domain containing oxidoreductase; plus strand). Cytogenetic location: 16q23.1.
Variant type: single nucleotide variant.
Coding change: c.605+17A>T on transcript NM_016373.4 (MANE Select); 17 bases into the intron after coding-DNA position 605, A replaced by T.
Molecular consequence: intron variant.
Genome position (GRCh38, 1-based): chr16:78,386,965, A>T. VCF-style: chr16-78386965-A-T. GRCh37 (hg19) VCF-style: chr16-78420862-A-T.
Other names: c.266+17A>T (NM_001291997.2).
Identifiers: ClinVar variation 508876 (VCV000508876.1), dbSNP rs757657426, ClinGen allele CA8183355.
Genomic context (GRCh38, chr16:78,386,965, plus strand): 5'-CGTAGCGTGCAGCATTTTGCTGAAGCATTCAAGGCCAAGAATGTGTGAGTGTTCCAGTGG[A>T]GGGTTATAGATCATAATTTCTTGCTATTGTAATATCTTTATCAGATGAACACAATTGGGA-3'

ClinVar aggregate classification (germline): Likely benign (1 of 4 stars; one submission).

Allele frequency attached by ClinVar (database versions not stated): gnomAD 0.00001; TOPMed 0.00001.
gnomAD v4.1: 3 of 1,606,840 alleles (0.00019%); highest among the groups gnomAD compares: African/African-American, 0.004%; no homozygotes.

Submission:

GeneDx
Classification: Likely benign. Last evaluated: 2018-03-13. Review status: criteria provided, single submitter. Criteria: GeneDx Variant Classification (06012015). Collection method: clinical testing. Allele origin: germline. Affected: yes.
Comment: This variant is considered likely benign or benign based on one or more of the following criteria: it is a conservative change, it occurs at a poorly conserved position in the protein, it is predicted to be benign by multiple in silico algorithms, and/or has population frequency not consistent with disease.